The following is an entry in ClinVar:

ClinVar aggregate classification (germline): Conflicting classifications of pathogenicity. Review status: criteria provided, conflicting classifications (1 of 4 stars). 5 submissions from 5 submitters: Uncertain significance (1); Benign (2); Likely benign (2). Last evaluated 2026-01-26.

Conditions:
Hereditary hemorrhagic telangiectasia (HHT). Also called: Osler hemorrhagic telangiectasia syndrome; ORW DISEASE; Osler Weber Rendu syndrome; OSLER-RENDU-WEBER DISEASE. Identifiers: Orphanet 774, MedGen C0039445, MONDO:0019180. Disease mechanism: loss of function.
Cardiovascular phenotype. Identifiers: MedGen CN230736.
Telangiectasia, hereditary hemorrhagic, type 1 (HHT1). Also called: Osler Weber Rendu syndrome type 1; ENG-Related Hereditary Hemorrhagic Telangiectasia. Identifiers: Orphanet 774, MedGen C4551861, MONDO:0008535, OMIM 187300. Disease mechanism: loss of function.

Allele frequency attached by ClinVar (database versions not stated): TOPMed 0.00003; gnomAD 0.00004 and 0.00011; 1000 Genomes Project 30x 0.00016; 1000 Genomes Project 0.00020; ExAC 0.00029.
gnomAD v4.1: 412 of 1,594,220 alleles (0.026%); highest among the groups gnomAD compares: East Asian, 0.87%; 6 homozygotes.

Submissions (5):

Labcorp Genetics (formerly Invitae), Labcorp
Classification: Likely benign for Hereditary hemorrhagic telangiectasia. Last evaluated: 2026-01-26. Review status: criteria provided, single submitter. Criteria: Invitae Variant Classification Sherloc (09022015). Collection method: clinical testing. Allele origin: germline.

Ambry Genetics
Classification: Benign for Cardiovascular phenotype. Last evaluated: 2025-06-25. Review status: criteria provided, single submitter. Criteria: Ambry Variant Classification Scheme 2023. Collection method: clinical testing. Allele origin: germline.

Blueprint Genetics
Classification: Likely benign. Last evaluated: 2024-10-23. Review status: criteria provided, single submitter. Criteria: ACMG Guidelines, 2015. Collection method: clinical testing. Allele origin: germline.

CeGaT Center for Human Genetics Tuebingen
Classification: Benign. Last evaluated: 2022-06-01. Review status: criteria provided, single submitter. Criteria: CeGaT Center For Human Genetics Tuebingen Variant Classification Criteria Version 2. Collection method: clinical testing. Allele origin: germline. Affected: yes. Observed: 1 variant allele.
Comment: ENG: BS1, BS2

CSER _CC_NCGL, University of Washington
Classification: Uncertain significance for Hereditary Hemorrhagic Telangiectasia. Last evaluated: 2015-03-11. Review status: criteria provided, single submitter. Criteria: Amendola et al. (Genome Res. 2015). Collection method: research. Allele origin: germline. Inheritance: Autosomal dominant inheritance. Study: CSER - NEXT Medicine variant annotation.

NM_001114753.3(ENG):c.596G>A (p.Arg199His)

Gene: ENG (endoglin; minus strand). Cytogenetic location: 9q34.11.
Variant type: single nucleotide variant.
Coding change: c.596G>A on transcript NM_001114753.3 (MANE Select); coding-DNA position 596, G replaced by A.
Protein change: p.Arg199His; replaces arginine 199 with histidine.
Molecular consequence: missense variant.
Genome position (GRCh38, 1-based): chr9:127,825,788, C>T on the plus strand (G>A on the coding strand, the complement: ENG is on the minus strand). VCF-style: chr9-127825788-C-T. GRCh37 (hg19) VCF-style: chr9-130588067-C-T.
Other names: c.596G>A, p.Arg199His (NM_000118.4, NM_001406715.1); c.50G>A, p.Arg17His (NM_001278138.2); c.596G>A (NM_001114753.1); short protein forms R17H, R199H.
Identifiers: ClinVar variation 226041 (VCV000226041.46), dbSNP rs548424658, ClinGen allele CA5253073.